The following is an entry in ClinVar:

ClinVar aggregate classification (germline): Conflicting classifications of pathogenicity. Review status: criteria provided, conflicting classifications (1 of 4 stars). 2 submissions from 2 submitters: Uncertain significance (1); Likely benign (1). Last evaluated 2022-06-21.

Conditions:
Inborn genetic diseases. Identifiers: MedGen C0950123, MeSH D030342.
Hereditary spastic paraplegia 63. Also called: Spastic paraplegia 63, autosomal recessive. Identifiers: Orphanet 401805, MedGen C3810295, MONDO:0014305, OMIM 615686.
Pontocerebellar hypoplasia type 9. Identifiers: Orphanet 369920, MedGen C4014354, MONDO:0014351, OMIM 615809.

Allele frequency attached by ClinVar (database versions not stated): gnomAD 0.00001; TOPMed 0.00001.

Submissions (2):

Ambry Genetics
Classification: Likely benign for Inborn genetic diseases. Last evaluated: 2022-06-21. Review status: criteria provided, single submitter. Criteria: Ambry Variant Classification Scheme 2023. Collection method: clinical testing. Allele origin: germline.

Labcorp Genetics (formerly Invitae), Labcorp
Classification: Uncertain significance for Pontocerebellar hypoplasia type 9; Hereditary spastic paraplegia 63. Last evaluated: 2022-01-16. Review status: criteria provided, single submitter. Criteria: Invitae Variant Classification Sherloc (09022015). Collection method: clinical testing. Allele origin: germline.
Comment: In summary, the available evidence is currently insufficient to determine the role of this variant in disease. Therefore, it has been classified as a Variant of Uncertain Significance. Algorithms developed to predict the effect of missense changes on protein structure and function output the following: SIFT: "Deleterious"; PolyPhen-2: "Benign"; Align-GVGD: "Class C0". The tryptophan amino acid residue is found in multiple mammalian species, which suggests that this missense change does not adversely affect protein function. This variant has not been reported in the literature in individuals affected with AMPD2-related conditions. This variant is not present in population databases (gnomAD no frequency). This sequence change replaces arginine, which is basic and polar, with tryptophan, which is neutral and slightly polar, at codon 40 of the AMPD2 protein (p.Arg40Trp).

NM_001368809.2(AMPD2):c.-45C>T

Gene: AMPD2 (adenosine monophosphate deaminase 2; plus strand). Cytogenetic location: 1p13.3.
Variant type: single nucleotide variant.
Coding change: c.-45C>T on transcript NM_001368809.2 (MANE Select); 45 bases upstream of the start codon, C replaced by T.
Molecular consequence: 5 prime UTR variant. On other transcripts: synonymous variant (1), intron variant (1).
Genome position (GRCh38, 1-based): chr1:109,621,131, C>T. VCF-style: chr1-109621131-C-T. GRCh37 (hg19) VCF-style: chr1-110163753-C-T.
Other names: c.24C>T, p.Ala8= (NM_001308170.1); c.10+853C>T (NM_139156.4).
Identifiers: ClinVar variation 2148906 (VCV002148906.5), dbSNP rs1030974786, ClinGen allele CA28686341.